The following is an entry in ClinVar:

ClinVar aggregate classification (germline): Uncertain significance (1 of 4 stars; one submission).

Conditions:
Developmental and epileptic encephalopathy, 1 (DEE1). Also called: X-linked infantile spasms; West's syndrome; Tonic spasms with clustering, arrest of psychomotor development and hypsarrhythmia on EEG; X-Linked Infantile Spasm Syndrome; OHTAHARA SYNDROME, X-LINKED; Epileptic encephalopathy, early infantile, 1. Identifiers: MedGen C3463992, MONDO:0010632, OMIM 308350. Disease mechanism: loss of function.
Autosomal recessive spinocerebellar ataxia 12. Also called: SPINOCEREBELLAR ATAXIA WITH MENTAL RETARDATION AND EPILEPSY. Identifiers: Orphanet 284282, MedGen C3280452, MONDO:0013687, OMIM 614322.

gnomAD v4.1: 3 of 1,614,142 alleles (0.00019%); highest among the groups gnomAD compares: East Asian, 0.0067%; no homozygotes.

Submission:

Labcorp Genetics (formerly Invitae), Labcorp
Classification: Uncertain significance for Developmental and epileptic encephalopathy, 1; Autosomal recessive spinocerebellar ataxia 12. Last evaluated: 2021-10-09. Review status: criteria provided, single submitter. Criteria: Invitae Variant Classification Sherloc (09022015). Collection method: clinical testing. Allele origin: germline.
Comment: In summary, the available evidence is currently insufficient to determine the role of this variant in disease. Therefore, it has been classified as a Variant of Uncertain Significance. Algorithms developed to predict the effect of missense changes on protein structure and function are either unavailable or do not agree on the potential impact of this missense change (SIFT: "Not Available"; PolyPhen-2: "Benign"; Align-GVGD: "Not Available"). This variant has not been reported in the literature in individuals affected with WWOX-related conditions. This variant is not present in population databases (ExAC no frequency). This sequence change replaces aspartic acid with alanine at codon 276 of the WWOX protein (p.Asp276Ala). The aspartic acid residue is moderately conserved and there is a moderate physicochemical difference between aspartic acid and alanine.

NM_016373.4(WWOX):c.827A>C (p.Asp276Ala)

Gene: WWOX (WW domain containing oxidoreductase; plus strand). Cytogenetic location: 16q23.1.
Variant type: single nucleotide variant.
Coding change: c.827A>C on transcript NM_016373.4 (MANE Select); coding-DNA position 827, A replaced by C.
Protein change: p.Asp276Ala; replaces aspartic acid 276 with alanine.
Molecular consequence: missense variant.
Genome position (GRCh38, 1-based): chr16:78,432,523, A>C. VCF-style: chr16-78432523-A-C. GRCh37 (hg19) VCF-style: chr16-78466420-A-C.
Other names: c.488A>C, p.Asp163Ala (NM_001291997.2); short protein forms D163A, D276A.
Identifiers: ClinVar variation 1450730 (VCV001450730.6), dbSNP rs2083246915, ClinGen allele CA396843099.